The following is an entry in ClinVar:

ClinVar aggregate classification (germline): Conflicting classifications of pathogenicity. Review status: criteria provided, conflicting classifications (1 of 4 stars). 7 submissions from 7 submitters: Uncertain significance (1); Benign (1); Likely benign (3). 2 of the submissions do not count toward it. Last evaluated 2026-05-01.

Conditions:
Sulfite oxidase deficiency due to molybdenum cofactor deficiency type A. Also called: Molybdenum Cofactor Deficiency A; Molybdenum cofactor deficiency, complementation group A. Identifiers: Orphanet 308386, Orphanet 833, MedGen C1854988, MONDO:0009643, OMIM 252150.
MOCS1-related disorder. Also called: MOCS1-related condition.

Allele frequency attached by ClinVar (database versions not stated): 1000 Genomes Project 30x 0.00047; 1000 Genomes Project 0.00060; TOPMed 0.00189; gnomAD exomes 0.00224; gnomAD 0.00259 and 0.00266; ESP Exome Variant Server 0.00277.

Submissions (7):

CeGaT Center for Human Genetics Tuebingen
Classification: Likely benign. Last evaluated: 2026-05-01. Review status: criteria provided, single submitter. Criteria: CeGaT Center For Human Genetics Tuebingen Variant Classification Criteria Version 2. Collection method: clinical testing. Allele origin: germline. Affected: yes. Observed: 28 variant alleles.
Comment: MOCS1: BS2

Blueprint Genetics
Classification: Likely benign. Last evaluated: 2024-11-26. Review status: criteria provided, single submitter. Criteria: ACMG Guidelines, 2015. Collection method: clinical testing. Allele origin: germline.

Labcorp Genetics (formerly Invitae), Labcorp
Classification: Benign for Sulfite oxidase deficiency due to molybdenum cofactor deficiency type A. Last evaluated: 2019-07-30. Review status: criteria provided, single submitter. Criteria: Invitae Variant Classification Sherloc (09022015). Collection method: clinical testing. Allele origin: germline.

Illumina Laboratory Services, Illumina
Classification: Uncertain significance for Sulfite oxidase deficiency due to molybdenum cofactor deficiency type A. Last evaluated: 2018-01-13. Review status: criteria provided, single submitter. Criteria: ICSL Variant Classification Criteria 13 December 2019. Collection method: clinical testing. Allele origin: germline.

Clinical Genetics DNA and cytogenetics Diagnostics Lab, Erasmus MC, Erasmus Medical Center
Classification: Likely benign for Sulfite oxidase deficiency due to molybdenum cofactor deficiency type A. Last evaluated: 2016-06-07. Review status: criteria provided, single submitter. Criteria: ACGS Guidelines, 2013. Collection method: clinical testing. Allele origin: germline. Affected: yes. Study: VKGL Data-share Consensus.

PreventionGenetics, part of Exact Sciences
Classification: Likely benign for MOCS1-related condition. Last evaluated: 2020-06-05. Review status: no assertion criteria provided. Collection method: clinical testing. Allele origin: germline. Not counted in ClinVar's aggregate classification.
Comment: This variant is classified as likely benign based on ACMG/AMP sequence variant interpretation guidelines (Richards et al. 2015 PMID: 25741868, with internal and published modifications).

Diagnostic Laboratory, Department of Genetics, University Medical Center Groningen
Classification: Likely benign for Sulfite oxidase deficiency due to molybdenum cofactor deficiency type A. Review status: no assertion criteria provided. Collection method: clinical testing. Allele origin: germline. Affected: yes. Study: VKGL Data-share Consensus. Not counted in ClinVar's aggregate classification.

NM_001358530.2(MOCS1):c.124-69G>A

Gene: MOCS1 (molybdenum cofactor synthesis 1; minus strand). Cytogenetic location: 6p21.2.
Variant type: single nucleotide variant.
Coding change: c.124-69G>A on transcript NM_001358530.2 (MANE Select); 69 bases into the intron before coding-DNA position 124, G replaced by A.
Molecular consequence: intron variant. On other transcripts: missense variant (1).
Genome position (GRCh38, 1-based): chr6:39,927,524, C>T on the plus strand (G>A on the coding strand, the complement: MOCS1 is on the minus strand). VCF-style: chr6-39927524-C-T. GRCh37 (hg19) VCF-style: chr6-39895263-C-T.
Other names: c.55G>A, p.Gly19Ser (NM_005943.6); c.-11-1679G>A (NM_001358531.2, NM_001358533.2); c.124-69G>A (NM_001358529.2, NM_001075098.4); c.-138-69G>A (NM_001358534.2); short protein forms G19S.
Identifiers: ClinVar variation 374706 (VCV000374706.60), dbSNP rs45487695, ClinGen allele CA3796445.